The following is an entry in ClinVar:

ClinVar aggregate classification (germline): Uncertain significance. Review status: criteria provided, multiple submitters, no conflicts (2 of 4 stars). 3 submissions from 2 submitters: Uncertain significance (3). Last evaluated 2025-09-25.

Conditions:
Inflammatory bowel disease 1 (IBD1). Also called: Inflammatory bowel disease 1, Crohn disease; INFLAMMATORY BOWEL DISEASE (CROHN DISEASE) 1. Identifiers: MedGen CN260071, MONDO:0009960, OMIM 266600.
Blau syndrome (BLAUS). Also called: GRANULOMATOSIS, FAMILIAL JUVENILE SYSTEMIC; GRANULOMATOSIS, FAMILIAL, BLAU TYPE; GRANULOMATOUS INFLAMMATORY ARTHRITIS, DERMATITIS, AND UVEITIS, FAMILIAL; JABS SYNDROME; ARTHROCUTANEOUVEAL GRANULOMATOSIS. Identifiers: Orphanet 90340, MedGen C5201146, MONDO:0008523, OMIM 186580.
Yao syndrome. Also called: Susceptibility to Yao syndrome. Identifiers: MedGen C4310620, MONDO:0015019, OMIM 617321.
Regional enteritis. Also called: Enteritis, Granulomatous. Identifiers: MedGen C0678202, MeSH D003424.
Psoriatic arthritis, susceptibility to. Identifiers: MedGen C1835223, MONDO:0100232, OMIM 607507.

Allele frequency attached by ClinVar (database versions not stated): ExAC 0.00002; gnomAD exomes 0.00002 and 0.00003; gnomAD 0.00003 and 0.00004; TOPMed 0.00003.
gnomAD v4.1: 54 of 1,613,868 alleles (0.0033%); highest among the groups gnomAD compares: East Asian, 0.024%; no homozygotes.

Submissions (3):

Labcorp Genetics (formerly Invitae), Labcorp
Classification: Uncertain significance for Regional enteritis; Blau syndrome. Last evaluated: 2025-09-25. Review status: criteria provided, single submitter. Criteria: Invitae Variant Classification Sherloc (09022015). Collection method: clinical testing. Allele origin: germline.
Comment: This sequence change replaces valine, which is neutral and non-polar, with methionine, which is neutral and non-polar, at codon 733 of the NOD2 protein (p.Val733Met). This variant is present in population databases (rs746055479, gnomAD 0.01%). This variant has not been reported in the literature in individuals affected with NOD2-related conditions. ClinVar contains an entry for this variant (Variation ID: 992540). Invitae Evidence Modeling of protein sequence and biophysical properties (such as structural, functional, and spatial information, amino acid conservation, physicochemical variation, residue mobility, and thermodynamic stability) indicates that this missense variant is not expected to disrupt NOD2 protein function with a negative predictive value of 95%. In summary, the available evidence is currently insufficient to determine the role of this variant in disease. Therefore, it has been classified as a Variant of Uncertain Significance.

Center for Genomics, Ann and Robert H. Lurie Children's Hospital of Chicago
Classification: Uncertain significance for Blau syndrome; Inflammatory bowel disease 1; Psoriatic arthritis, susceptibility to; Yao syndrome. Last evaluated: 2019-12-20. Review status: criteria provided, single submitter. Criteria: ACMG Guidelines, 2015. Collection method: clinical testing. Allele origin: germline.
Comment: NOD2 NM_022162.2 exon 4 p.Val733Met (c.2197G>A): This variant has not been reported in the literature but is present in 0.01% (4/35436) of Latino alleles in the Genome Aggregation Database. This variant amino acid Methionine (Met) is present in >40 species including mammals and is not well conserved among evolutionarily distant species; this suggests that this variant may not impact the protein. Additional computational prediction tools do not suggest an impact. In summary, data on this variant is insufficient for disease classification. Therefore, the clinical significance of this variant is uncertain.

Center for Genomics, Ann and Robert H. Lurie Children's Hospital of Chicago
Classification: Uncertain significance for Blau syndrome; Yao syndrome; Inflammatory bowel disease 1. Review status: criteria provided, single submitter. Criteria: ACMG Guidelines, 2015. Collection method: clinical testing. Allele origin: germline.
Comment: the same text as in the submission from Center for Genomics, Ann and Robert H. Lurie Children's Hospital of Chicago above.

NM_001370466.1(NOD2):c.2116G>A (p.Val706Met)

Gene: NOD2 (nucleotide binding oligomerization domain containing 2; plus strand). Cytogenetic location: 16q12.1.
Variant type: single nucleotide variant.
Coding change: c.2116G>A on transcript NM_001370466.1 (MANE Select); coding-DNA position 2116, G replaced by A.
Protein change: p.Val706Met; replaces valine 706 with methionine.
Molecular consequence: missense variant. On other transcripts: non-coding transcript variant (1).
Genome position (GRCh38, 1-based): chr16:50,712,108, G>A. VCF-style: chr16-50712108-G-A. GRCh37 (hg19) VCF-style: chr16-50746019-G-A.
Other names: c.2116G>A, p.Val706Met (NM_001293557.2); c.2197G>A, p.Val733Met (NM_022162.3); short protein forms V706M, V733M.
Identifiers: ClinVar variation 992540 (VCV000992540.8), dbSNP rs746055479, ClinGen allele CA8051720.